The following is an entry in ClinVar:

NM_152309.3(PIK3AP1):c.1544C>T (p.Thr515Met)

Gene: PIK3AP1 (phosphoinositide-3-kinase adaptor protein 1; minus strand). Cytogenetic location: 10q24.1.
Variant type: single nucleotide variant.
Coding change: c.1544C>T on transcript NM_152309.3 (MANE Select); coding-DNA position 1544, C replaced by T.
Protein change: p.Thr515Met; replaces threonine 515 with methionine.
Molecular consequence: missense variant.
Genome position (GRCh38, 1-based): chr10:96,626,833, G>A on the plus strand (C>T on the coding strand, the complement: PIK3AP1 is on the minus strand). VCF-style: chr10-96626833-G-A. GRCh37 (hg19) VCF-style: chr10-98386590-G-A.
Other names: short protein forms T515M.
Identifiers: ClinVar variation 639225 (VCV000639225.9), dbSNP rs544379655, ClinGen allele CA5626223.
Genomic context (GRCh38, chr10:96,626,833, plus strand): 5'-GGCACTGGGACAGGGGGCCTGCTGGCCAGGTCCACAGAAAAGGCCTCATCGTCATCCACC[G>A]TGTGATAAACATCTTCTTCCTGACCAAGATGGCACTGATCTCTCTCCAGATTGGTCATTC-3'
Protein context (NP_689522.2, residues 505-525): HLGQEEDVYH[Thr515Met]VDDDEAFSVD

ClinVar aggregate classification (germline): Uncertain significance (1 of 4 stars; one submission).

Conditions:
Infantile spasms. Also called: Infantile spasm. Identifiers: MedGen C3887898, HP:0012469.

Allele frequency attached by ClinVar (database versions not stated): gnomAD exomes 0.00005 and 0.00001; 1000 Genomes Project 0.00020; gnomAD 0.00001 and 0.00002; 1000 Genomes Project 30x 0.00016; ExAC 0.00002; TOPMed 0.00006.
gnomAD v4.1: 16 of 1,614,136 alleles (0.00099%); highest among the groups gnomAD compares: East Asian, 0.022%; no homozygotes.

Submission:

Labcorp Genetics (formerly Invitae), Labcorp
Classification: Uncertain significance for Infantile spasms. Last evaluated: 2026-01-27. Review status: criteria provided, single submitter. Criteria: Invitae Variant Classification Sherloc (09022015). Collection method: clinical testing. Allele origin: germline.
Comment: This sequence change replaces threonine, which is neutral and polar, with methionine, which is neutral and non-polar, at codon 515 of the PIK3AP1 protein (p.Thr515Met). This variant is present in population databases (rs544379655, gnomAD 0.04%), and has an allele count higher than expected for a pathogenic variant. This variant has not been reported in the literature in individuals affected with PIK3AP1-related conditions. ClinVar contains an entry for this variant (Variation ID: 639225). An algorithm developed to predict the effect of missense changes on protein structure and function outputs the following: PolyPhen-2: "Benign". The methionine amino acid residue is found in multiple mammalian species, which suggests that this missense change does not adversely affect protein function. In summary, the available evidence is currently insufficient to determine the role of this variant in disease. Therefore, it has been classified as a Variant of Uncertain Significance.